The following is an entry in ClinVar:

ClinVar aggregate classification (germline): Uncertain significance (1 of 4 stars; one submission).

Submission:

GeneDx
Classification: Uncertain significance. Last evaluated: 2026-02-24. Review status: criteria provided, single submitter. Criteria: GeneDx Variant Classification Process June 2021. Collection method: clinical testing. Allele origin: germline.
Comment: In silico analysis supports that this missense variant has a deleterious effect on protein structure/function; Has not been previously published as pathogenic or benign to our knowledge

NM_001733.7(C1R):c.655C>T (p.Arg219Cys)

Gene: C1R (complement C1r; minus strand). Cytogenetic location: 12p13.31.
Variant type: single nucleotide variant.
Coding change: c.655C>T on transcript NM_001733.7 (MANE Select); coding-DNA position 655, C replaced by T.
Protein change: p.Arg219Cys; replaces arginine 219 with cysteine.
Molecular consequence: missense variant.
Genome position (GRCh38, 1-based): chr12:7,089,406, G>A on the plus strand (C>T on the coding strand, the complement: C1R is on the minus strand). VCF-style: chr12-7089406-G-A. GRCh37 (hg19) VCF-style: chr12-7242002-G-A.
Other names: c.697C>T, p.Arg233Cys (NM_001354346.2); short protein forms R219C, R233C.
Identifiers: ClinVar variation 3774092 (VCV003774092.2).